The following is an entry in ClinVar:

NM_005461.5(MAFB):c.212C>T (p.Pro71Leu)

Gene: MAFB (MAF bZIP transcription factor B; minus strand). Cytogenetic location: 20q12.
Variant type: single nucleotide variant.
Coding change: c.212C>T on transcript NM_005461.5 (MANE Select); coding-DNA position 212, C replaced by T.
Protein change: p.Pro71Leu; replaces proline 71 with leucine.
Molecular consequence: missense variant.
Genome position (GRCh38, 1-based): chr20:40,688,639, G>A on the plus strand (C>T on the coding strand, the complement: MAFB is on the minus strand). VCF-style: chr20-40688639-G-A. GRCh37 (hg19) VCF-style: chr20-39317279-G-A.
Other names: short protein forms P71L.
Identifiers: ClinVar variation 30772 (VCV000030772.6), dbSNP rs387907008, ClinGen allele CA129456.

ClinVar aggregate classification (germline): Pathogenic. Review status: criteria provided, single submitter (1 of 4 stars). 2 submissions from 2 submitters: Pathogenic (1). 1 of the submissions does not count toward it. Last evaluated 2020-05-07.

Conditions:
Multicentric carpo-tarsal osteolysis with or without nephropathy. Also called: Carnevale Canun Mendoza syndrome; MULTICENTRIC CARPOTARSAL OSTEOLYSIS SYNDROME; Multicentric Carpotarsal Osteolysis with or without Nephropathy; OSTEOLYSIS, HEREDITARY, OF CARPAL BONES WITH OR WITHOUT NEPHROPATHY; MULTICENTRIC OSTEOLYSIS, AUTOSOMAL DOMINANT; Multicentric Osteolysis of Carpal Bones and Nephropathy. Identifiers: Orphanet 2774, MedGen C2674705, MONDO:0008152, OMIM 166300.

Submissions (2):

Illumina Laboratory Services, Illumina
Classification: Pathogenic for Multicentric carpo-tarsal osteolysis with or without nephropathy. Last evaluated: 2020-05-07. Review status: criteria provided, single submitter. Criteria: ICSLVariantClassificationCriteria RUGD 01 April 2020. Collection method: clinical testing. Allele origin: unknown.
Comment: The MAFB c.212C>T (p.Pro71Leu) variant is a missense variant and has been reported in at least two individuals in a de novo heterozygous state. Both individuals presented with skeletal anomalies characteristic of multicentric carpotarsal osteolysis syndrome, with one individual also presenting with renal disease (Zankl et al. 2012; Park et al. 2018). While there are no functional studies for this variant, it is located in the amino-terminal transcriptional activation domain where all clinically significant variants identified to date are located, specifically across residues 54-71. In addition, different amino acid changes at the Pro71 residue have been reported in affected individuals (Zankl et al. 2012; Mumm et al. 2014). The p.Pro71Leu variant was absent from 164 control individuals (Zankl et al. 2012) and is not reported in the Genome Aggregation Database in a region of good sequence coverage so the variant is presumed to be rare. Based on the collective evidence, the p.Pro71Leu variant is classified as pathogenic for multicentric carpotarsal osteolysis syndrome.

OMIM
Classification: Pathogenic for MULTICENTRIC CARPOTARSAL OSTEOLYSIS SYNDROME. Last evaluated: 2012-03-09. Review status: no assertion criteria provided. Collection method: literature only. Allele origin: germline. Not counted in ClinVar's aggregate classification.

Literature cited by the submitters: PubMed 22387013 (cited by Illumina Laboratory Services, Illumina and OMIM); PubMed 24989131 (cited by Illumina Laboratory Services, Illumina); PubMed 30208859 (cited by Illumina Laboratory Services, Illumina).